The following is an entry in ClinVar:

NM_001256447.2(BCAP31):c.383C>T (p.Thr128Met)

Gene: BCAP31 (B cell receptor associated protein 31; minus strand). Cytogenetic location: Xq28.
Variant type: single nucleotide variant.
Coding change: c.383C>T on transcript NM_001256447.2 (MANE Select); coding-DNA position 383, C replaced by T.
Protein change: p.Thr128Met; replaces threonine 128 with methionine.
Molecular consequence: missense variant.
Genome position (GRCh38, 1-based): chrX:153,704,053, G>A on the plus strand (C>T on the coding strand, the complement: BCAP31 is on the minus strand). VCF-style: chrX-153704053-G-A. GRCh37 (hg19) VCF-style: chrX-152969508-G-A.
Other names: c.584C>T, p.Thr195Met (NM_001139457.2); c.383C>T, p.Thr128Met (NM_005745.8, NM_001139441.1); short protein forms T128M, T195M.
Identifiers: ClinVar variation 235341 (VCV000235341.60), dbSNP rs111450526, ClinGen allele CA10549778.

ClinVar aggregate classification (germline): Conflicting classifications of pathogenicity. Review status: criteria provided, conflicting classifications (1 of 4 stars). 8 submissions from 8 submitters: Uncertain significance (1); Benign (2); Likely benign (2). 3 of the submissions do not count toward it. Last evaluated 2026-01-05.

Conditions:
BCAP31-related disorder. Also called: BCAP31-related condition.

Allele frequency attached by ClinVar (database versions not stated): 1000 Genomes Project 30x 0.00104; 1000 Genomes Project 0.00106; ESP Exome Variant Server 0.00114; ExAC 0.00133; gnomAD 0.00133 and 0.00141; gnomAD exomes 0.00138 and 0.00189; TOPMed 0.00151.
gnomAD v4.1: 2,200 of 1,209,172 alleles (0.18%); highest among the groups gnomAD compares: Non-Finnish European, 0.23%; 1 homozygote.

Submissions (8):

Labcorp Genetics (formerly Invitae), Labcorp
Classification: Likely benign. Last evaluated: 2026-01-05. Review status: criteria provided, single submitter. Criteria: Invitae Variant Classification Sherloc (09022015). Collection method: clinical testing. Allele origin: germline.

Blueprint Genetics
Classification: Likely benign. Last evaluated: 2024-11-26. Review status: criteria provided, single submitter. Criteria: ACMG Guidelines, 2015. Collection method: clinical testing. Allele origin: germline.

GeneDx
Classification: Benign. Last evaluated: 2021-07-14. Review status: criteria provided, single submitter. Criteria: GeneDx Variant Classification Process June 2021. Collection method: clinical testing. Allele origin: germline. Affected: yes.

CeGaT Center for Human Genetics Tuebingen
Classification: Uncertain significance. Last evaluated: 2017-11-01. Review status: criteria provided, single submitter. Criteria: CeGaT Center For Human Genetics Tuebingen Variant Classification Criteria Version 2. Collection method: clinical testing. Allele origin: germline. Affected: yes. Observed: 1 variant allele.

Center for Pediatric Genomic Medicine, Children's Mercy Hospital and Clinics
Classification: Benign. Last evaluated: 2016-05-10. Review status: criteria provided, single submitter. Criteria: ACMG Guidelines, 2015. Collection method: clinical testing. Allele origin: germline.

PreventionGenetics, part of Exact Sciences
Classification: Likely benign for BCAP31-related condition. Last evaluated: 2020-07-23. Review status: no assertion criteria provided. Collection method: clinical testing. Allele origin: germline. Not counted in ClinVar's aggregate classification.
Comment: This variant is classified as likely benign based on ACMG/AMP sequence variant interpretation guidelines (Richards et al. 2015 PMID: 25741868, with internal and published modifications).

Clinical Genetics DNA and cytogenetics Diagnostics Lab, Erasmus MC, Erasmus Medical Center
Classification: Likely benign. Review status: no assertion criteria provided. Collection method: clinical testing. Allele origin: germline. Affected: yes. Study: VKGL Data-share Consensus. Not counted in ClinVar's aggregate classification.

Laboratory of Diagnostic Genome Analysis, Leiden University Medical Center (LUMC)
Classification: Likely benign. Review status: no assertion criteria provided. Collection method: clinical testing. Allele origin: germline. Affected: yes. Study: VKGL Data-share Consensus. Not counted in ClinVar's aggregate classification.